The following is an entry in ClinVar:

ClinVar aggregate classification (germline): Uncertain significance (1 of 4 stars; one submission).

Conditions:
Ataxia - intellectual disability - oculomotor apraxia - cerebellar cysts syndrome. Also called: Poretti-Boltshauser syndrome. Identifiers: Orphanet 370022, MedGen C4014821, MONDO:0014419, OMIM 615960.

Submission:

MGZ Medical Genetics Center
Classification: Uncertain significance for Ataxia - intellectual disability - oculomotor apraxia - cerebellar cysts syndrome. Last evaluated: 2021-10-14. Review status: criteria provided, single submitter. Criteria: ACMG Guidelines, 2015. Collection method: clinical testing. Allele origin: germline. Affected: yes. Observed: 1 variant allele.
Comment: ACMG criteria applied: PM2_SUP, PP3

NM_005559.4(LAMA1):c.4663+6T>G

Gene: LAMA1 (laminin subunit alpha 1; minus strand). Cytogenetic location: 18p11.31.
Variant type: single nucleotide variant.
Coding change: c.4663+6T>G on transcript NM_005559.4 (MANE Select); 6 bases into the intron after coding-DNA position 4663, T replaced by G.
Molecular consequence: intron variant.
Genome position (GRCh38, 1-based): chr18:6,999,439, A>C on the plus strand (T>G on the coding strand, the complement: LAMA1 is on the minus strand). VCF-style: chr18-6999439-A-C. GRCh37 (hg19) VCF-style: chr18-6999438-A-C.
Identifiers: ClinVar variation 1710002 (VCV001710002.2), dbSNP rs2510060375, ClinGen allele CA2580095909.
Genomic context (GRCh38, chr18:6,999,439, plus strand): 5'-CCACTTCTTTCCCGACACATTTGGGAGGAAAAACCATCTTTACACATTTAGAGGAGAAAT[A>C]CTCACAAACACAATCTGTTTCCATCAGAATGTGCCTCGGTTCACACTCATCGCACCGGAG-3'